The following is an entry in ClinVar:

ClinVar aggregate classification (germline): Uncertain significance (1 of 4 stars; one submission).

gnomAD v4.1: 141 of 1,613,096 alleles (0.0087%); highest among the groups gnomAD compares: Non-Finnish European, 0.011%; no homozygotes.

Submission:

Labcorp Genetics (formerly Invitae), Labcorp
Classification: Uncertain significance. Last evaluated: 2025-10-01. Review status: criteria provided, single submitter. Criteria: Invitae Variant Classification Sherloc (09022015). Collection method: clinical testing. Allele origin: germline.
Comment: This sequence change replaces arginine, which is basic and polar, with glutamine, which is neutral and polar, at codon 7 of the KLHDC8B protein (p.Arg7Gln). This variant is present in population databases (rs543669516, gnomAD 0.008%). This variant has not been reported in the literature in individuals affected with KLHDC8B-related conditions. ClinVar contains an entry for this variant (Variation ID: 3708357). An algorithm developed to predict the effect of missense changes on protein structure and function outputs the following: PolyPhen-2: "Benign". The glutamine amino acid residue is found in multiple mammalian species, which suggests that this missense change does not adversely affect protein function. In summary, the available evidence is currently insufficient to determine the role of this variant in disease. Therefore, it has been classified as a Variant of Uncertain Significance.

NM_173546.3(KLHDC8B):c.20G>A (p.Arg7Gln)

Gene: KLHDC8B (kelch domain containing 8B; plus strand). Cytogenetic location: 3p21.31.
Variant type: single nucleotide variant.
Coding change: c.20G>A on transcript NM_173546.3 (MANE Select); coding-DNA position 20, G replaced by A.
Protein change: p.Arg7Gln; replaces arginine 7 with glutamine.
Molecular consequence: missense variant.
Genome position (GRCh38, 1-based): chr3:49,172,789, G>A. VCF-style: chr3-49172789-G-A. GRCh37 (hg19) VCF-style: chr3-49210222-G-A.
Other names: short protein forms R7Q.
Identifiers: ClinVar variation 3708357 (VCV003708357.2).
Genomic context (GRCh38, chr3:49,172,789, plus strand): 5'-GTCTGAGCAGACAGCATGGCCTGCCACTGGCAGTGAACACCATGTCTGCAGGAGGTGGCC[G>A]GGCCTTTGCTTGGCAAGTGTTCCCCCCCATGCCCACTTGCCGGGTCTATGGCACAGTGGC-3'
Protein context (NP_775817.1, residues 1-17): MSAGGG[Arg7Gln]AFAWQVFPPM